The following is an entry in ClinVar:

NM_000183.3(HADHB):c.1128T>G (p.Phe376Leu)

Gene: HADHB (hydroxyacyl-CoA dehydrogenase trifunctional multienzyme complex subunit beta; plus strand). Cytogenetic location: 2p23.3.
Variant type: single nucleotide variant.
Coding change: c.1128T>G on transcript NM_000183.3 (MANE Select); coding-DNA position 1128, T replaced by G.
Protein change: p.Phe376Leu; replaces phenylalanine 376 with leucine.
Molecular consequence: missense variant.
Genome position (GRCh38, 1-based): chr2:26,284,183, T>G. VCF-style: chr2-26284183-T-G. GRCh37 (hg19) VCF-style: chr2-26507051-T-G.
Other names: c.1083T>G, p.Phe361Leu (NM_001281512.2); c.1062T>G, p.Phe354Leu (NM_001281513.2); c.1128T>G (NM_000183.2); short protein forms F361L, F376L, F354L.
Identifiers: ClinVar variation 1494674 (VCV001494674.5), dbSNP rs2147831395, ClinGen allele CA346095922.
Genomic context (GRCh38, chr2:26,284,183, plus strand): 5'-ATATGCTACTCCAAAAGTTCTAGAAAAGGCAGGATTGACCATGAATGATATTGATGCTTT[T>G]GAATTTCATGAAGCTTTCTCGGTAAGTAATTTGAAAGACACATATGAAGGGACTATAGTC-3'
Protein context (NP_000174.1, residues 366-386): AGLTMNDIDA[Phe376Leu]EFHEAFSGQI

ClinVar aggregate classification (germline): Uncertain significance. Review status: criteria provided, multiple submitters, no conflicts (2 of 4 stars). 2 submissions from 2 submitters: Uncertain significance (2). Last evaluated 2023-04-26.

Conditions:
Inborn genetic diseases. Identifiers: MedGen C0950123, MeSH D030342.
Mitochondrial trifunctional protein deficiency. Identifiers: Orphanet 746, MedGen C1969443, MONDO:0012172.

Submissions (2):

Ambry Genetics
Classification: Uncertain significance for Inborn genetic diseases. Last evaluated: 2023-04-26. Review status: criteria provided, single submitter. Criteria: Ambry Variant Classification Scheme 2023. Collection method: clinical testing. Allele origin: germline.

Labcorp Genetics (formerly Invitae), Labcorp
Classification: Uncertain significance for Mitochondrial trifunctional protein deficiency. Last evaluated: 2022-07-19. Review status: criteria provided, single submitter. Criteria: Invitae Variant Classification Sherloc (09022015). Collection method: clinical testing. Allele origin: germline.
Comment: This sequence change replaces phenylalanine, which is neutral and non-polar, with leucine, which is neutral and non-polar, at codon 376 of the HADHB protein (p.Phe376Leu). This variant is not present in population databases (gnomAD no frequency). This variant has not been reported in the literature in individuals affected with HADHB-related conditions. ClinVar contains an entry for this variant (Variation ID: 1494674). Algorithms developed to predict the effect of missense changes on protein structure and function are either unavailable or do not agree on the potential impact of this missense change (SIFT: "Deleterious"; PolyPhen-2: "Benign"; Align-GVGD: "Class C0"). In summary, the available evidence is currently insufficient to determine the role of this variant in disease. Therefore, it has been classified as a Variant of Uncertain Significance.